The following is an entry in ClinVar:

ClinVar aggregate classification (germline): Benign/Likely benign. Review status: criteria provided, multiple submitters, no conflicts (2 of 4 stars). 3 submissions from 3 submitters: Benign (2); Likely benign (1). Last evaluated 2025-09-23.

Conditions:
Bethlem myopathy 1A. Also called: MYOPATHY, BENIGN CONGENITAL, WITH CONTRACTURES; Bethlem myopathy 1; Bethlem Muscular Dystrophy. Identifiers: Orphanet 610, MedGen CN029274, MONDO:0024530, OMIM 158810.
Collagen 6-related myopathy. Identifiers: MedGen CN117976, MONDO:0100225.

Allele frequency attached by ClinVar (database versions not stated): gnomAD 0.00009 and 0.00017; TOPMed 0.00015; gnomAD exomes 0.00053; ExAC 0.00062; 1000 Genomes Project 30x 0.00094; 1000 Genomes Project 0.00120.
gnomAD v4.1: 714 of 1,613,176 alleles (0.044%); highest among the groups gnomAD compares: East Asian, 1.6%; 5 homozygotes.

Submissions (3):

Labcorp Genetics (formerly Invitae), Labcorp
Classification: Benign for Bethlem myopathy 1A. Last evaluated: 2025-09-23. Review status: criteria provided, single submitter. Criteria: Invitae Variant Classification Sherloc (09022015). Collection method: clinical testing. Allele origin: germline.

Blueprint Genetics
Classification: Likely benign. Last evaluated: 2023-10-03. Review status: criteria provided, single submitter. Criteria: ACMG Guidelines, 2015. Collection method: clinical testing. Allele origin: germline.

Illumina Laboratory Services, Illumina
Classification: Benign for Collagen VI-related myopathy. Last evaluated: 2018-01-12. Review status: criteria provided, single submitter. Criteria: ICSL Variant Classification Criteria 13 December 2019. Collection method: clinical testing. Allele origin: germline.
Comment: This variant was observed in the ICSL laboratory as part of a predisposition screen in an ostensibly healthy population. It had not been previously curated by ICSL or reported in the Human Gene Mutation Database (HGMD: prior to June 1st, 2018), and was therefore a candidate for classification through an automated scoring system. Utilizing variant allele frequency, disease prevalence and penetrance estimates, and inheritance mode, an automated score was calculated to assess if this variant is too frequent to cause the disease. Based on the score and internal cut-off values, a variant classified as benign is not then subjected to further curation. The score for this variant resulted in a classification of benign for this disease.

NM_004369.4(COL6A3):c.91+15C>T

Gene: COL6A3 (collagen type VI alpha 3 chain; minus strand). Cytogenetic location: 2q37.3.
Variant type: single nucleotide variant.
Coding change: c.91+15C>T on transcript NM_004369.4 (MANE Select); 15 bases into the intron after coding-DNA position 91, C replaced by T.
Molecular consequence: intron variant.
Genome position (GRCh38, 1-based): chr2:237,396,712, G>A on the plus strand (C>T on the coding strand, the complement: COL6A3 is on the minus strand). VCF-style: chr2-237396712-G-A. GRCh37 (hg19) VCF-style: chr2-238305355-G-A.
Other names: c.91+15C>T (NM_057166.5, NM_057167.4, NM_057164.5 and 1 more transcripts).
Identifiers: ClinVar variation 335147 (VCV000335147.13), dbSNP rs117521066, ClinGen allele CA2189956.